The following is an entry in ClinVar:

NM_000453.3(SLC5A5):c.1545C>T (p.Ser515=)

Gene: SLC5A5 (solute carrier family 5 member 5; plus strand). Cytogenetic location: 19p13.11.
Variant type: single nucleotide variant.
Coding change: c.1545C>T on transcript NM_000453.3 (MANE Select); coding-DNA position 1545, C replaced by T.
Protein change: p.Ser515=; no amino-acid change (serine 515 retained).
Molecular consequence: synonymous variant.
Genome position (GRCh38, 1-based): chr19:17,888,349, C>T. VCF-style: chr19-17888349-C-T. GRCh37 (hg19) VCF-style: chr19-17999158-C-T.
Other names: c.1278C>T, p.Ser426= (NM_001440707.1).
Identifiers: ClinVar variation 4084930 (VCV004084930.8).

ClinVar aggregate classification (germline): Likely benign (1 of 4 stars; one submission).

Submission:

CeGaT Center for Human Genetics Tuebingen
Classification: Likely benign. Last evaluated: 2025-08-01. Review status: criteria provided, single submitter. Criteria: CeGaT Center For Human Genetics Tuebingen Variant Classification Criteria Version 2. Collection method: clinical testing. Allele origin: germline. Affected: yes. Observed: 1 variant allele.
Comment: SLC5A5: BP4, BP7